The following is an entry in ClinVar:

ClinVar aggregate classification (germline): Pathogenic (1 of 4 stars; one submission).

Conditions:
Muscular dystrophy-dystroglycanopathy (congenital with brain and eye anomalies), type A2. Also called: MUSCULAR DYSTROPHY-DYSTROGLYCANOPATHY (CONGENITAL WITH BRAIN AND EYE ANOMALIES), TYPE A, 2; WALKER-WARBURG SYNDROME OR MUSCLE-EYE-BRAIN DISEASE, POMT2-RELATED. Identifiers: Orphanet 588, Orphanet 899, MedGen C3150411, MONDO:0013154, OMIM 613150.
Muscular dystrophy-dystroglycanopathy (congenital with impaired intellectual development), type B, 2. Also called: Muscular dystrophy-dystroglycanopathy (congenital with intellectual disability), type B2; MUSCULAR DYSTROPHY, CONGENITAL, POMT2-RELATED. Identifiers: MedGen C3150416, MONDO:0013160, OMIM 613156.
Autosomal recessive limb-girdle muscular dystrophy type 2N. Also called: Muscular dystrophy-dystroglycanopathy (limb-girdle), type C, 2; MUSCULAR DYSTROPHY-DYSTROGLYCANOPATHY, LIMB-GIRDLE, POMT2-RELATED. Identifiers: Orphanet 206559, MedGen C3150418, MONDO:0013162, OMIM 613158.

Submission:

Labcorp Genetics (formerly Invitae), Labcorp
Classification: Pathogenic for Muscular dystrophy-dystroglycanopathy (congenital with impaired intellectual development), type B, 2; Muscular dystrophy-dystroglycanopathy (congenital with brain and eye anomalies), type A2; Autosomal recessive limb-girdle muscular dystrophy type 2N. Last evaluated: 2023-12-22. Review status: criteria provided, single submitter. Criteria: Invitae Variant Classification Sherloc (09022015). Collection method: clinical testing. Allele origin: germline.
Comment: This sequence change creates a premature translational stop signal (p.His390Glnfs*39) in the POMT2 gene. It is expected to result in an absent or disrupted protein product. Loss-of-function variants in POMT2 are known to be pathogenic (PMID: 15894594). This variant is present in population databases (rs764210532, gnomAD 0.0009%). This premature translational stop signal has been observed in individual(s) with limb-girdle muscular dystrophy (PMID: 27854218). ClinVar contains an entry for this variant (Variation ID: 242416). For these reasons, this variant has been classified as Pathogenic.

Literature cited by the submitters: PubMed 15894594; PubMed 27854218.

NM_013382.5(POMT2):c.1170_1171del

Gene: POMT2 (protein O-mannosyltransferase 2; minus strand). Cytogenetic location: 14q24.3.
Variant type: Deletion.
Coding change: c.1170_1171del on transcript NM_013382.5; coding-DNA positions 1170 to 1171, 2 bases deleted (TA; older notation c.1170_1171delTA).
Molecular consequence: frameshift variant (on NM_013382.7).
Genome position (GRCh38, 1-based): chr14:77,291,326-77,291,327, TA deleted on the plus strand (TA on the coding strand, the reverse complement: POMT2 is on the minus strand); deleting any 2 consecutive bases within chr14:77,291,326-77,291,328 gives the same sequence; the c. name uses the placement nearest the transcript's 3' end. VCF-style (leftmost placement, unchanged base first): chr14-77291325-TTA-T. GRCh37 (hg19) VCF-style: chr14-77757668-TTA-T.
Other names: c.1170_1171del, p.His390fs (NM_013382.7); short protein forms H390fs.
Identifiers: ClinVar variation 242416 (VCV000242416.4), dbSNP rs764210532, ClinGen allele CA7285951.
Genomic context (GRCh38, chr14:77,291,325, plus strand): 5'-GCTCAGAGGGAGTAACAGCACAAGAAGCATCAGTCTCTGACCACATTACCTGAGTTTGTG[TTA>T]TGTTTCTTGATAATCCACAGGTTGTTGTAGTCCTTGTGCAAATAGGTGGTGACCTGGGTG-3'